The following is an entry in ClinVar:

ClinVar aggregate classification (germline): Uncertain significance (1 of 4 stars; one submission).

Conditions:
Methylcobalamin deficiency type cblG (HMAG). Also called: Functional methionine synthase deficiency type cblG; HOMOCYSTINURIA-MEGALOBLASTIC ANEMIA DUE TO DEFECT IN COBALAMIN METABOLISM, cblG COMPLEMENTATION TYPE; HOMOCYSTINURIA-MEGALOBLASTIC ANEMIA, cblG TYPE; HOMOCYSTINURIA-MEGALOBLASTIC ANEMIA, cblG COMPLEMENTATION TYPE. Identifiers: Orphanet 2170, Orphanet 622, MedGen C1855128, MONDO:0009609, OMIM 250940.

Submission:

Labcorp Genetics (formerly Invitae), Labcorp
Classification: Uncertain significance for Methylcobalamin deficiency type cblG. Last evaluated: 2022-08-16. Review status: criteria provided, single submitter. Criteria: Invitae Variant Classification Sherloc (09022015). Collection method: clinical testing. Allele origin: germline.
Comment: This sequence change replaces proline, which is neutral and non-polar, with leucine, which is neutral and non-polar, at codon 953 of the MTR protein (p.Pro953Leu). This variant is not present in population databases (gnomAD no frequency). This variant has not been reported in the literature in individuals affected with MTR-related conditions. Algorithms developed to predict the effect of missense changes on protein structure and function are either unavailable or do not agree on the potential impact of this missense change (SIFT: "Deleterious"; PolyPhen-2: "Probably Damaging"; Align-GVGD: "Class C0"). In summary, the available evidence is currently insufficient to determine the role of this variant in disease. Therefore, it has been classified as a Variant of Uncertain Significance.

NM_000254.3(MTR):c.2858C>T (p.Pro953Leu)

Gene: MTR (5-methyltetrahydrofolate-homocysteine methyltransferase; plus strand). Cytogenetic location: 1q43.
Variant type: single nucleotide variant.
Coding change: c.2858C>T on transcript NM_000254.3 (MANE Select); coding-DNA position 2858, C replaced by T.
Protein change: p.Pro953Leu; replaces proline 953 with leucine.
Molecular consequence: missense variant.
Genome position (GRCh38, 1-based): chr1:236,889,187, C>T. VCF-style: chr1-236889187-C-T. GRCh37 (hg19) VCF-style: chr1-237052487-C-T.
Other names: c.2705C>T, p.Pro902Leu (NM_001291939.1); c.1637C>T, p.Pro546Leu (NM_001291940.2); c.2669C>T, p.Pro890Leu (NM_001410942.1); short protein forms P953L, P546L, P890L, P902L.
Identifiers: ClinVar variation 2117179 (VCV002117179.1), dbSNP rs2528469005, ClinGen allele CA345385790.